The following is an entry in ClinVar:

ClinVar aggregate classification (germline): Uncertain significance (1 of 4 stars; one submission).

Submission:

GeneDx
Classification: Uncertain significance. Last evaluated: 2026-03-30. Review status: criteria provided, single submitter. Criteria: GeneDx Variant Classification Process June 2021. Collection method: clinical testing. Allele origin: germline.
Comment: Not observed at significant frequency in large population cohorts (gnomAD); In silico analysis supports that this missense variant has a deleterious effect on protein structure/function; Has not been previously published as pathogenic or benign to our knowledge

NM_000812.4(GABRB1):c.969G>T (p.Glu323Asp)

Gene: GABRB1 (gamma-aminobutyric acid type A receptor subunit beta1; plus strand). Cytogenetic location: 4p12.
Variant type: single nucleotide variant.
Coding change: c.969G>T on transcript NM_000812.4 (MANE Select); coding-DNA position 969, G replaced by T.
Protein change: p.Glu323Asp; replaces glutamic acid 323 with aspartic acid.
Molecular consequence: missense variant.
Genome position (GRCh38, 1-based): chr4:47,406,815, G>T. VCF-style: chr4-47406815-G-T. GRCh37 (hg19) VCF-style: chr4-47408832-G-T.
Other names: short protein forms E323D.
Identifiers: ClinVar variation 5017918 (VCV005017918.1).